The following is an entry in ClinVar:

NM_001080442.3(SLC38A8):c.58del (p.Ala20fs)

Gene: SLC38A8 (solute carrier family 38 member 8; minus strand). Cytogenetic location: 16q23.3.
Variant type: Deletion.
Coding change: c.58del on transcript NM_001080442.3 (MANE Select); coding-DNA position 58, one base deleted (G; older notation c.58delG).
Protein change: p.Ala20fs; shifts the reading frame from alanine 20.
Molecular consequence: frameshift variant.
Genome position (GRCh38, 1-based): chr16:84,042,100, C deleted on the plus strand (G on the coding strand, the reverse complement: SLC38A8 is on the minus strand); the first of 2 consecutive C bases (chr16:84,042,100-84,042,101); deleting either gives the same sequence. VCF-style (leftmost placement, unchanged base first): chr16-84042099-GC-G. GRCh37 (hg19) VCF-style: chr16-84075704-GC-G.
Other names: short protein forms A20fs.
Identifiers: ClinVar variation 3638493 (VCV003638493.2).

ClinVar aggregate classification (germline): Pathogenic (1 of 4 stars; one submission).

Submission:

Labcorp Genetics (formerly Invitae), Labcorp
Classification: Pathogenic. Last evaluated: 2024-02-02. Review status: criteria provided, single submitter. Criteria: Invitae Variant Classification Sherloc (09022015). Collection method: clinical testing. Allele origin: germline.
Comment: This sequence change creates a premature translational stop signal (p.Ala20Leufs*15) in the SLC38A8 gene. It is expected to result in an absent or disrupted protein product. Loss-of-function variants in SLC38A8 are known to be pathogenic (PMID: 24290379). This variant is not present in population databases (gnomAD no frequency). This variant has not been reported in the literature in individuals affected with SLC38A8-related conditions. For these reasons, this variant has been classified as Pathogenic.

Literature cited by the submitters: PubMed 24290379.